The following is an entry in ClinVar:

ClinVar aggregate classification (germline): Uncertain significance (1 of 4 stars; one submission).

Submission:

Labcorp Genetics (formerly Invitae), Labcorp
Classification: Uncertain significance. Last evaluated: 2025-08-20. Review status: criteria provided, single submitter. Criteria: Invitae Variant Classification Sherloc (09022015). Collection method: clinical testing. Allele origin: germline.
Comment: This variant, c.382_384del, results in the deletion of 1 amino acid(s) of the SLC7A9 protein (p.Ile128del), but otherwise preserves the integrity of the reading frame. This variant is not present in population databases (gnomAD no frequency). This variant has not been reported in the literature in individuals affected with SLC7A9-related conditions. Experimental studies and prediction algorithms are not available or were not evaluated, and the functional significance of this variant is currently unknown. In summary, the available evidence is currently insufficient to determine the role of this variant in disease. Therefore, it has been classified as a Variant of Uncertain Significance.

NM_014270.5(SLC7A9):c.379ATC[1] (p.Ile128del)

Gene: SLC7A9 (solute carrier family 7 member 9; minus strand). Cytogenetic location: 19q13.11.
Variant type: Microsatellite.
Coding change: c.379ATC[1] on transcript NM_014270.5 (MANE Select); one copy of the 3-base unit ATC starting at c.379; the reference has two copies in a row; one copy, 3 bases deleted.
Protein change: p.Ile128del; deletes isoleucine 128.
Molecular consequence: inframe deletion.
Genome position (GRCh38, 1-based): chr19:32,864,190-32,864,192, GAT deleted on the plus strand (ATC on the coding strand, the reverse complement: SLC7A9 is on the minus strand); deleting any 3 consecutive bases within chr19:32,864,190-32,864,196 gives the same sequence; the position shown is the placement nearest the transcript's 3' end. VCF-style (leftmost placement, unchanged base first): chr19-32864189-AGAT-A. GRCh37 (hg19) VCF-style: chr19-33355095-AGAT-A.
Other names: c.379ATC[1], p.Ile128del (NM_001126335.2, NM_001243036.2); short protein forms I128del.
Identifiers: ClinVar variation 4725163 (VCV004725163.1).